The following is an entry in ClinVar:

ClinVar aggregate classification (germline): Uncertain significance (1 of 4 stars; one submission).

Conditions:
TTN-related disorder. Also called: TTN-related disorders; TTN-related condition; TTN-related disease.

Submission:

PreventionGenetics, part of Exact Sciences
Classification: Uncertain significance for TTN-related condition. Last evaluated: 2026-08-31. Review status: criteria provided, single submitter. Criteria: ACMG Guidelines, 2015. Collection method: clinical testing. Allele origin: germline.
Comment: The TTN c.2940C>G variant is predicted to result in the amino acid substitution p.Asp980Glu. To our knowledge, this variant has not been reported in the literature or in a large population database (gnomAD), indicating this variant is rare. At this time, the clinical significance of this variant is uncertain due to the absence of conclusive functional and genetic evidence.

NM_001267550.2(TTN):c.2940C>G (p.Asp980Glu)

Gene: TTN (titin; minus strand). Cytogenetic location: 2q31.2.
Variant type: single nucleotide variant.
Coding change: c.2940C>G on transcript NM_001267550.2 (MANE Select); coding-DNA position 2940, C replaced by G.
Protein change: p.Asp980Glu; replaces aspartic acid 980 with glutamic acid.
Molecular consequence: missense variant.
Genome position (GRCh38, 1-based): chr2:178,782,966, G>C on the plus strand (C>G on the coding strand, the complement: TTN is on the minus strand). VCF-style: chr2-178782966-G-C. GRCh37 (hg19) VCF-style: chr2-179647693-G-C.
Other names: c.2940C>G, p.Asp980Glu (NM_001256850.1, NM_133378.4, NM_133379.5); c.2802C>G, p.Asp934Glu (NM_003319.4, NM_133432.3, NM_133437.4); short protein forms D980E, D934E.
Identifiers: ClinVar variation 4993726 (VCV004993726.1).
Genomic context (GRCh38, chr2:178,782,966, plus strand): 5'-AAGACGAGCAATTCCACTCTGGAAGGTTATCTGGAAGTCAATGGAACTTTCGATTTGGTA[G>C]TCTTCCCTGTACCATGTCACTGTCGGGGATGGGTATCCAGAGATGTGGCACTCCAAGGTG-3'
Protein context (NP_001254479.2, residues 970-990): PSPTVTWYRE[Asp980Glu]YQIESSIDFQ